The following is an entry in ClinVar:

ClinVar aggregate classification (germline): Uncertain significance. Review status: criteria provided, multiple submitters, no conflicts (2 of 4 stars). 2 submissions from 2 submitters: Uncertain significance (2). Last evaluated 2024-04-22.

Conditions:
Branchiootorenal syndrome 2 (BOR2). Identifiers: Orphanet 107, MedGen C1970479, MONDO:0012575, OMIM 610896.

Allele frequency attached by ClinVar (database versions not stated): gnomAD exomes below 0.00001; ExAC 0.00001.
gnomAD v4.1: 3 of 1,612,940 alleles (0.00019%); highest among the groups gnomAD compares: Non-Finnish European, 0.00025%; no homozygotes.

Submissions (2):

Fulgent Genetics
Classification: Uncertain significance for Branchiootorenal syndrome 2. Last evaluated: 2024-04-22. Review status: criteria provided, single submitter. Criteria: ACMG Guidelines, 2015. Collection method: clinical testing. Allele origin: germline.

MVZ Medizinische Genetik Mainz
Classification: Uncertain significance for Branchiootorenal syndrome 2. Last evaluated: 2021-07-09. Review status: criteria provided, single submitter. Criteria: UK Practice Guidelines For Variant Classification V4 01 2020. Collection method: clinical testing. Allele origin: germline. Inheritance: Autosomal dominant inheritance. Affected: yes. Observed: 1 variant allele.
Comment: ACMG Criteria: PM2_SUP, PP3

NM_175875.5(SIX5):c.668A>G (p.Asn223Ser)

Genes: DM1-AS (DM1 locus antisense RNA; plus strand), SIX5 (SIX homeobox 5; minus strand), LOC107075317 (origin of replication in DMPK trinucleotide repeat region; plus strand). Cytogenetic location: 19q13.32.
Variant type: single nucleotide variant.
Coding change: c.668A>G on transcript NM_175875.5 (MANE Select); coding-DNA position 668, A replaced by G.
Protein change: p.Asn223Ser; replaces asparagine 223 with serine.
Molecular consequence: missense variant.
Genome position (GRCh38, 1-based): chr19:45,768,177, T>C on the plus strand (A>G on the coding strand, the complement: SIX5 is on the minus strand). VCF-style: chr19-45768177-T-C. GRCh37 (hg19) VCF-style: chr19-46271435-T-C.
Other names: short protein forms N223S.
Identifiers: ClinVar variation 3068352 (VCV003068352.2), dbSNP rs776155687, ClinGen allele CA9520799.